The following is an entry in ClinVar:

ClinVar aggregate classification (germline): Uncertain significance (1 of 4 stars; one submission).

Allele frequency attached by ClinVar (database versions not stated): gnomAD exomes below 0.00001.

Submission:

GeneDx
Classification: Uncertain significance. Last evaluated: 2022-06-02. Review status: criteria provided, single submitter. Criteria: GeneDx Variant Classification Process June 2021. Collection method: clinical testing. Allele origin: germline. Affected: yes.
Comment: Has not been previously published as pathogenic or benign to our knowledge; Not observed at significant frequency in large population cohorts (gnomAD); In silico analysis supports that this missense variant does not alter protein structure/function

NM_080680.3(COL11A2):c.787C>T (p.Pro263Ser)

Gene: COL11A2 (collagen type XI alpha 2 chain; minus strand). Cytogenetic location: 6p21.32.
Variant type: single nucleotide variant.
Coding change: c.787C>T on transcript NM_080680.3 (MANE Select); coding-DNA position 787, C replaced by T.
Protein change: p.Pro263Ser; replaces proline 263 with serine.
Molecular consequence: missense variant.
Genome position (GRCh38, 1-based): chr6:33,186,638, G>A on the plus strand (C>T on the coding strand, the complement: COL11A2 is on the minus strand). VCF-style: chr6-33186638-G-A. GRCh37 (hg19) VCF-style: chr6-33154415-G-A.
Other names: c.787C>T, p.Pro263Ser (NM_001163771.2, NM_080679.3, NM_080681.3); short protein forms P263S.
Identifiers: ClinVar variation 1802038 (VCV001802038.1), dbSNP rs2535502059, ClinGen allele CA363610110.